The following is an entry in ClinVar:

ClinVar aggregate classification (germline): Uncertain significance (1 of 4 stars; one submission).

Allele frequency attached by ClinVar (database versions not stated): gnomAD exomes below 0.00001; TOPMed below 0.00001.

Submission:

Labcorp Genetics (formerly Invitae), Labcorp
Classification: Uncertain significance. Last evaluated: 2022-11-30. Review status: criteria provided, single submitter. Criteria: Invitae Variant Classification Sherloc (09022015). Collection method: clinical testing. Allele origin: germline.
Comment: ClinVar contains an entry for this variant (Variation ID: 1500667). Advanced modeling of protein sequence and biophysical properties (such as structural, functional, and spatial information, amino acid conservation, physicochemical variation, residue mobility, and thermodynamic stability) has been performed at Invitae for this missense variant, however the output from this modeling did not meet the statistical confidence thresholds required to predict the impact of this variant on NR2E3 protein function. In summary, the available evidence is currently insufficient to determine the role of this variant in disease. Therefore, it has been classified as a Variant of Uncertain Significance. This variant has not been reported in the literature in individuals affected with NR2E3-related conditions. This sequence change replaces leucine, which is neutral and non-polar, with methionine, which is neutral and non-polar, at codon 336 of the NR2E3 protein (p.Leu336Met). The frequency data for this variant in the population databases is considered unreliable, as metrics indicate poor data quality at this position in the gnomAD database.

NM_014249.4(NR2E3):c.1006C>A (p.Leu336Met)

Gene: NR2E3 (nuclear receptor subfamily 2 group E member 3; plus strand). Cytogenetic location: 15q23.
Variant type: single nucleotide variant.
Coding change: c.1006C>A on transcript NM_014249.4 (MANE Select); coding-DNA position 1006, C replaced by A.
Protein change: p.Leu336Met; replaces leucine 336 with methionine.
Molecular consequence: missense variant.
Genome position (GRCh38, 1-based): chr15:71,814,023, C>A. VCF-style: chr15-71814023-C-A. GRCh37 (hg19) VCF-style: chr15-72106364-C-A.
Other names: c.1006C>A, p.Leu336Met (NM_016346.4); short protein forms L336M.
Identifiers: ClinVar variation 1500667 (VCV001500667.6), dbSNP rs1269866116, ClinGen allele CA393039128.
Genomic context (GRCh38, chr15:71,814,023, plus strand): 5'-ATAACAGCCGTAAACCTGTGCTAAGCTCACTGGTGCTGCTTCTCCCCAGAGACGCGGGGC[C>A]TGAAGGATCCTGAGCACGTAGAGGCCTTGCAGGACCAGTCCCAAGTGATGCTGAGCCAGC-3'
Protein context (NP_055064.1, residues 326-346): LVLFKPETRG[Leu336Met]KDPEHVEALQ